The following is an entry in ClinVar:

ClinVar aggregate classification (germline): Uncertain significance. Review status: criteria provided, multiple submitters, no conflicts (2 of 4 stars). 2 submissions from 2 submitters: Uncertain significance (2). Last evaluated 2024-12-16.

Conditions:
Inborn genetic diseases. Identifiers: MedGen C0950123, MeSH D030342.

gnomAD v4.1: 1 of 1,614,144 alleles (0.000062%); highest among the groups gnomAD compares: Non-Finnish European, 0.000085%; no homozygotes.

Submissions (2):

Ambry Genetics
Classification: Uncertain significance for Inborn genetic diseases. Last evaluated: 2024-12-16. Review status: criteria provided, single submitter. Criteria: Ambry Variant Classification Scheme 2023. Collection method: clinical testing. Allele origin: germline.

Labcorp Genetics (formerly Invitae), Labcorp
Classification: Uncertain significance. Last evaluated: 2024-01-30. Review status: criteria provided, single submitter. Criteria: Invitae Variant Classification Sherloc (09022015). Collection method: clinical testing. Allele origin: germline.
Comment: This sequence change replaces glutamic acid, which is acidic and polar, with aspartic acid, which is acidic and polar, at codon 38 of the ACO2 protein (p.Glu38Asp). This variant is not present in population databases (gnomAD no frequency). This variant has not been reported in the literature in individuals affected with ACO2-related conditions. Advanced modeling of protein sequence and biophysical properties (such as structural, functional, and spatial information, amino acid conservation, physicochemical variation, residue mobility, and thermodynamic stability) performed at Invitae indicates that this missense variant is not expected to disrupt ACO2 protein function with a negative predictive value of 95%. In summary, the available evidence is currently insufficient to determine the role of this variant in disease. Therefore, it has been classified as a Variant of Uncertain Significance.

NM_001098.3(ACO2):c.114G>T (p.Glu38Asp)

Gene: ACO2 (aconitase 2; plus strand). Cytogenetic location: 22q13.2.
Variant type: single nucleotide variant.
Coding change: c.114G>T on transcript NM_001098.3 (MANE Select); coding-DNA position 114, G replaced by T.
Protein change: p.Glu38Asp; replaces glutamic acid 38 with aspartic acid.
Molecular consequence: missense variant.
Genome position (GRCh38, 1-based): chr22:41,499,803, G>T. VCF-style: chr22-41499803-G-T. GRCh37 (hg19) VCF-style: chr22-41895807-G-T.
Other names: c.114G>T (NM_001098.2); short protein forms E38D.
Identifiers: ClinVar variation 3675374 (VCV003675374.3).
Genomic context (GRCh38, chr22:41,499,803, plus strand): 5'-GCAGTACCATGTGGCCTCAGTCCTGTGCCAACGGGCCAAGGTGGCGATGAGCCACTTTGA[G>T]CCCAACGAGTACATCCATTATGACCTGCTAGAGAAGAACATTAACATTGTTCGCAAACGG-3'
Protein context (NP_001089.1, residues 28-48): QRAKVAMSHF[Glu38Asp]PNEYIHYDLL